The following is an entry in ClinVar:

NM_003482.4(KMT2D):c.13129T>C (p.Trp4377Arg)

Gene: KMT2D (lysine methyltransferase 2D; minus strand). Cytogenetic location: 12q13.12.
Variant type: single nucleotide variant.
Coding change: c.13129T>C on transcript NM_003482.4 (MANE Select); coding-DNA position 13129, T replaced by C.
Protein change: p.Trp4377Arg; replaces tryptophan 4377 with arginine.
Molecular consequence: missense variant.
Genome position (GRCh38, 1-based): chr12:49,031,576, A>G on the plus strand (T>C on the coding strand, the complement: KMT2D is on the minus strand). VCF-style: chr12-49031576-A-G. GRCh37 (hg19) VCF-style: chr12-49425359-A-G.
Other names: short protein forms W4377R.
Identifiers: ClinVar variation 2998186 (VCV002998186.3), dbSNP rs1235424762, ClinGen allele CA384707241.
Genomic context (GRCh38, chr12:49,031,576, plus strand): 5'-CAGGTACCAGGCTGCTCTGCTCTGGCTTCTGGGTTTCTGCTAGGTTGTCTGGGGGATCCC[A>G]AGGTCCCAGACCCTTGCTAAACAAGGTATCTGCAAGCTGGGCAGCAGCAGGTGAGACCCT-3'
Protein context (NP_003473.3, residues 4367-4387): DTLFSKGLGP[Trp4377Arg]DPPDNLAETQ

ClinVar aggregate classification (germline): Uncertain significance (1 of 4 stars; one submission).

Conditions:
Kabuki syndrome. Also called: NIIKAWA-KUROKI SYNDROME; Kabuki make-up syndrome. Identifiers: Orphanet 2322, MedGen C0796004, MONDO:0016512.

gnomAD v4.1: 2 of 1,600,392 alleles (0.00012%); highest among the groups gnomAD compares: Non-Finnish European, 0.00017%; no homozygotes.

Submission:

Labcorp Genetics (formerly Invitae), Labcorp
Classification: Uncertain significance for Kabuki syndrome. Last evaluated: 2025-09-02. Review status: criteria provided, single submitter. Criteria: Invitae Variant Classification Sherloc (09022015). Collection method: clinical testing. Allele origin: germline.
Comment: This sequence change replaces tryptophan, which is neutral and slightly polar, with arginine, which is basic and polar, at codon 4377 of the KMT2D protein (p.Trp4377Arg). This variant is not present in population databases (gnomAD no frequency). This variant has not been reported in the literature in individuals affected with KMT2D-related conditions. ClinVar contains an entry for this variant (Variation ID: 2998186). Invitae Evidence Modeling of protein sequence and biophysical properties (such as structural, functional, and spatial information, amino acid conservation, physicochemical variation, residue mobility, and thermodynamic stability) indicates that this missense variant is not expected to disrupt KMT2D protein function with a negative predictive value of 95%. In summary, the available evidence is currently insufficient to determine the role of this variant in disease. Therefore, it has been classified as a Variant of Uncertain Significance.